The following is an entry in ClinVar:

NM_002470.4(MYH3):c.1722C>T (p.Ala574=)

Gene: MYH3 (myosin heavy chain 3; minus strand). Cytogenetic location: 17p13.1.
Variant type: single nucleotide variant.
Coding change: c.1722C>T on transcript NM_002470.4 (MANE Select); coding-DNA position 1722, C replaced by T.
Protein change: p.Ala574=; no amino-acid change (alanine 574 retained).
Molecular consequence: synonymous variant.
Genome position (GRCh38, 1-based): chr17:10,642,583, G>A on the plus strand (C>T on the coding strand, the complement: MYH3 is on the minus strand). VCF-style: chr17-10642583-G-A. GRCh37 (hg19) VCF-style: chr17-10545900-G-A.
Identifiers: ClinVar variation 706169 (VCV000706169.10), dbSNP rs149880049, ClinGen allele CA8392946.

ClinVar aggregate classification (germline): Benign. Review status: criteria provided, single submitter (1 of 4 stars). 2 submissions from 2 submitters: Benign (1). 1 of the submissions does not count toward it. Last evaluated 2026-01-11.

Conditions:
MYH3-related disorder. Also called: MYH3-related condition; MYH3-Related Disorders. Identifiers: MedGen CN239329.

Allele frequency attached by ClinVar (database versions not stated): gnomAD exomes 0.00017; 1000 Genomes Project 0.00020; ExAC 0.00022; 1000 Genomes Project 30x 0.00031; gnomAD 0.00039 and 0.00042; TOPMed 0.00043; ESP Exome Variant Server 0.00046.
gnomAD v4.1: 125 of 1,614,156 alleles (0.0077%); highest among the groups gnomAD compares: African/African-American, 0.13%; no homozygotes.

Submissions (2):

Labcorp Genetics (formerly Invitae), Labcorp
Classification: Benign. Last evaluated: 2026-01-11. Review status: criteria provided, single submitter. Criteria: Invitae Variant Classification Sherloc (09022015). Collection method: clinical testing. Allele origin: germline.

PreventionGenetics, part of Exact Sciences
Classification: Likely benign for MYH3-related condition. Last evaluated: 2019-03-01. Review status: no assertion criteria provided. Collection method: clinical testing. Allele origin: germline. Not counted in ClinVar's aggregate classification.
Comment: This variant is classified as likely benign based on ACMG/AMP sequence variant interpretation guidelines (Richards et al. 2015 PMID: 25741868, with internal and published modifications).